The following is an entry in ClinVar:

ClinVar aggregate classification (germline): Likely benign (0 of 4 stars; one submission).

Conditions:
SNTG1-related disorder. Also called: SNTG1-related condition.

Allele frequency attached by ClinVar (database versions not stated): gnomAD exomes below 0.00001; ExAC 0.00001.
gnomAD v4.1: 2 of 1,610,806 alleles (0.00012%); highest among the groups gnomAD compares: Non-Finnish European, 0.00017%; no homozygotes.

Submission:

PreventionGenetics, part of Exact Sciences
Classification: Likely benign for SNTG1-related condition. Last evaluated: 2023-06-21. Review status: no assertion criteria provided. Collection method: clinical testing. Allele origin: germline.
Comment: This variant is classified as likely benign based on ACMG/AMP sequence variant interpretation guidelines (Richards et al. 2015 PMID: 25741868, with internal and published modifications).

NM_018967.5(SNTG1):c.*4A>G

Gene: SNTG1 (syntrophin gamma 1; plus strand). Cytogenetic location: 8q11.21.
Variant type: single nucleotide variant.
Coding change: c.*4A>G on transcript NM_018967.5 (MANE Select); 4 bases downstream of the stop codon, A replaced by G.
Molecular consequence: 3 prime UTR variant. On other transcripts: non-coding transcript variant (4).
Genome position (GRCh38, 1-based): chr8:50,792,833, A>G. VCF-style: chr8-50792833-A-G. GRCh37 (hg19) VCF-style: chr8-51705393-A-G.
Other names: c.*4A>G (NM_001287813.3, NM_001287814.3, NM_001321773.2).
Identifiers: ClinVar variation 3045930 (VCV003045930.2), dbSNP rs774908590, ClinGen allele CA4744445.